The following is an entry in ClinVar:

ClinVar aggregate classification (germline): Benign/Likely benign. Review status: criteria provided, multiple submitters, no conflicts (2 of 4 stars). 6 submissions from 6 submitters: Benign (4); Likely benign (2). Last evaluated 2026-08-01.

Conditions:
Rubinstein-Taybi syndrome due to EP300 haploinsufficiency. Also called: EP300-Related Rubinstein-Taybi Syndrome; RUBINSTEIN-TAYBI SYNDROME 2. Identifiers: Orphanet 353284, Orphanet 783, MedGen C3150941, MONDO:0013364, OMIM 613684.

Allele frequency attached by ClinVar (database versions not stated): 1000 Genomes Project 0.00200; 1000 Genomes Project 30x 0.00203; gnomAD 0.00240 and 0.00258; ESP Exome Variant Server 0.00246; TOPMed 0.00262.
gnomAD v4.1: 870 of 1,614,158 alleles (0.054%); highest among the groups gnomAD compares: African/African-American, 0.75%; 6 homozygotes.

Submissions (6):

CeGaT Center for Human Genetics Tuebingen
Classification: Likely benign. Last evaluated: 2026-08-01. Review status: criteria provided, single submitter. Criteria: CeGaT Center For Human Genetics Tuebingen Variant Classification Criteria Version 2. Collection method: clinical testing. Allele origin: germline. Affected: yes. Observed: 13 variant alleles.
Comment: EP300: BP4, BP7, BS1

Labcorp Genetics (formerly Invitae), Labcorp
Classification: Benign for Rubinstein-Taybi syndrome due to EP300 haploinsufficiency. Last evaluated: 2026-01-15. Review status: criteria provided, single submitter. Criteria: Invitae Variant Classification Sherloc (09022015). Collection method: clinical testing. Allele origin: germline.

Blueprint Genetics
Classification: Likely benign. Last evaluated: 2024-11-27. Review status: criteria provided, single submitter. Criteria: ACMG Guidelines, 2015. Collection method: clinical testing. Allele origin: germline.

GeneDx
Classification: Benign. Last evaluated: 2019-06-28. Review status: criteria provided, single submitter. Criteria: GeneDx Variant Classification Process June 2021. Collection method: clinical testing. Allele origin: germline. Affected: yes.

Genetic Services Laboratory, University of Chicago
Classification: Benign. Last evaluated: 2017-07-28. Review status: criteria provided, single submitter. Criteria: ACMG Guidelines, 2015. Collection method: clinical testing. Allele origin: germline. Affected: no.

Eurofins Ntd Llc (ga)
Classification: Benign. Last evaluated: 2016-04-03. Review status: criteria provided, single submitter. Criteria: EGL Classification Definitions 2015. Collection method: clinical testing. Allele origin: germline. Observed: 1 variant allele, 1 heterozygote.

NM_001429.4(EP300):c.5814G>A (p.Thr1938=)

Gene: EP300 (EP300 lysine acetyltransferase; plus strand). Cytogenetic location: 22q13.2.
Variant type: single nucleotide variant.
Coding change: c.5814G>A on transcript NM_001429.4 (MANE Select); coding-DNA position 5814, G replaced by A.
Protein change: p.Thr1938=; no amino-acid change (threonine 1938 retained).
Molecular consequence: synonymous variant.
Genome position (GRCh38, 1-based): chr22:41,177,525, G>A. VCF-style: chr22-41177525-G-A. GRCh37 (hg19) VCF-style: chr22-41573529-G-A.
Other names: c.5736G>A, p.Thr1912= (NM_001362843.2).
Identifiers: ClinVar variation 286787 (VCV000286787.44), dbSNP rs112948044, ClinGen allele CA10253712.